The following is an entry in ClinVar:

ClinVar aggregate classification (germline): Uncertain significance (1 of 4 stars; one submission).

Conditions:
Cataract 20 multiple types (CTRCT20). Also called: Membranous cataract. Identifiers: Orphanet 91492, MedGen C0524524, MONDO:0007284, OMIM 116100, HP:0010922.

Submission:

Labcorp Genetics (formerly Invitae), Labcorp
Classification: Uncertain significance for Cataract 20 multiple types. Last evaluated: 2020-01-15. Review status: criteria provided, single submitter. Criteria: Invitae Variant Classification Sherloc (09022015). Collection method: clinical testing. Allele origin: germline.
Comment: This sequence change replaces cysteine with arginine at codon 83 of the CRYGS protein (p.Cys83Arg). The cysteine residue is highly conserved and there is a large physicochemical difference between cysteine and arginine. This variant is not present in population databases (ExAC no frequency). This variant has not been reported in the literature in individuals with CRYGS-related conditions. Algorithms developed to predict the effect of missense changes on protein structure and function (SIFT, PolyPhen-2, Align-GVGD) all suggest that this variant is likely to be disruptive, but these predictions have not been confirmed by published functional studies and their clinical significance is uncertain. In summary, the available evidence is currently insufficient to determine the role of this variant in disease. Therefore, it has been classified as a Variant of Uncertain Significance.

NM_017541.4(CRYGS):c.247T>C (p.Cys83Arg)

Gene: CRYGS (crystallin gamma S; minus strand). Cytogenetic location: 3q27.3.
Variant type: single nucleotide variant.
Coding change: c.247T>C on transcript NM_017541.4 (MANE Select); coding-DNA position 247, T replaced by C.
Protein change: p.Cys83Arg; replaces cysteine 83 with arginine.
Molecular consequence: missense variant.
Genome position (GRCh38, 1-based): chr3:186,539,372, A>G on the plus strand (T>C on the coding strand, the complement: CRYGS is on the minus strand). VCF-style: chr3-186539372-A-G. GRCh37 (hg19) VCF-style: chr3-186257161-A-G.
Other names: short protein forms C83R.
Identifiers: ClinVar variation 1009187 (VCV001009187.5), dbSNP rs1714002505, ClinGen allele CA355703892.